The following is an entry in ClinVar:

NM_003072.5(SMARCA4):c.2002G>C (p.Glu668Gln)

Gene: SMARCA4 (SWI/SNF related BAF chromatin remodeling complex subunit ATPase 4; plus strand). Cytogenetic location: 19p13.2.
Variant type: single nucleotide variant.
Coding change: c.2002G>C on transcript NM_003072.5 (MANE Select); coding-DNA position 2002, G replaced by C.
Protein change: p.Glu668Gln; replaces glutamic acid 668 with glutamine.
Molecular consequence: missense variant. On other transcripts: non-coding transcript variant (1).
Genome position (GRCh38, 1-based): chr19:11,007,902, G>C. VCF-style: chr19-11007902-G-C. GRCh37 (hg19) VCF-style: chr19-11118578-G-C.
Other names: c.2002G>C, p.Glu668Gln (NM_001128844.3, NM_001128845.2, NM_001128846.2 and 4 more transcripts); short protein forms E668Q.
Identifiers: ClinVar variation 820520 (VCV000820520.10), dbSNP rs1060502105, ClinGen allele CA404052360.

ClinVar aggregate classification (germline): Uncertain significance. Review status: criteria provided, multiple submitters, no conflicts (2 of 4 stars). 2 submissions from 2 submitters: Uncertain significance (2). Last evaluated 2025-01-16.

Conditions:
Rhabdoid tumor predisposition syndrome 2 (RTPS2). Identifiers: Orphanet 231108, Orphanet 69077, MedGen C2750074, MONDO:0013224, OMIM 613325.
Hereditary cancer-predisposing syndrome. Also called: Neoplastic Syndromes, Hereditary; Tumor predisposition; Hereditary Cancer Syndrome; Hereditary neoplastic syndrome. Identifiers: Orphanet 140162, MedGen C0027672, MeSH D009386, MONDO:0015356.

gnomAD v4.1: 2 of 1,611,054 alleles (0.00012%); highest among the groups gnomAD compares: African/African-American, 0.0027%; no homozygotes.

Submissions (2):

Labcorp Genetics (formerly Invitae), Labcorp
Classification: Uncertain significance for Rhabdoid tumor predisposition syndrome 2. Last evaluated: 2025-01-16. Review status: criteria provided, single submitter. Criteria: Invitae Variant Classification Sherloc (09022015). Collection method: clinical testing. Allele origin: germline.
Comment: This sequence change replaces glutamic acid, which is acidic and polar, with glutamine, which is neutral and polar, at codon 668 of the SMARCA4 protein (p.Glu668Gln). This variant is not present in population databases (gnomAD no frequency). This variant has not been reported in the literature in individuals affected with SMARCA4-related conditions. ClinVar contains an entry for this variant (Variation ID: 820520). An algorithm developed to predict the effect of missense changes on protein structure and function (PolyPhen-2) suggests that this variant is likely to be tolerated. Algorithms developed to predict the effect of sequence changes on RNA splicing suggest that this variant may create or strengthen a splice site. In summary, the available evidence is currently insufficient to determine the role of this variant in disease. Therefore, it has been classified as a Variant of Uncertain Significance.

Ambry Genetics
Classification: Uncertain significance for Hereditary cancer-predisposing syndrome. Last evaluated: 2023-08-07. Review status: criteria provided, single submitter. Criteria: Ambry Variant Classification Scheme 2023. Collection method: clinical testing. Allele origin: germline.
Comment: The p.E668Q variant (also known as c.2002G>C) is located in coding exon 13 of the SMARCA4 gene. The glutamic acid at codon 668 is replaced by glutamine, an amino acid with highly similar properties. This change occurs in the first base pair of coding exon 13. This nucleotide position is highly conserved in available vertebrate species, and this amino acid position is well conserved in available vertebrate species. In silico splice site analysis predicts that this alteration will result in the creation or strengthening of a novel splice acceptor site; however, RNA studies have demonstrated that this alteration does not result in abnormal splicing in the set of samples tested (Ambry internal data). In addition, as a missense substitution, this alteration is predicted to be tolerated by in silico analysis. Missense and in-frame variants in SMARCA4 are known to cause neurodevelopmental disorders; however, such associations with rhabdoid tumor predisposition syndrome including small cell carcinoma of the ovary-hypercalcemic type (SCCOHT) are exceedingly rare (Kosho T et al. Am J Med Genet C Semin Med Genet. 2014 Sep;166C(3):262-75; Jelinic P et al. Nat Genet. 2014 May;46(5):424-6). Based on the supporting evidence, the association of this alteration with Coffin-Siris syndrome is unknown; however, the association of this alteration with rhabdoid tumor predisposition syndrome is unlikely.